The following is an entry in ClinVar:

NM_001367871.1(FBRSL1):c.333G>A (p.Trp111Ter)

Gene: FBRSL1 (fibrosin like 1; plus strand). Cytogenetic location: 12q24.33.
Variant type: single nucleotide variant.
Coding change: c.333G>A on transcript NM_001367871.1 (MANE Select); coding-DNA position 333, G replaced by A.
Protein change: p.Trp111Ter; replaces tryptophan 111 with a stop codon.
Molecular consequence: nonsense. On other transcripts: non-coding transcript variant (1).
Genome position (GRCh38, 1-based): chr12:132,508,194, G>A. VCF-style: chr12-132508194-G-A. GRCh37 (hg19) VCF-style: chr12-133084780-G-A.
Other names: c.333G>A, p.Trp111Ter (NM_001142641.2, NM_001382739.1, NM_001382740.1 and 2 more transcripts); c.36G>A, p.Trp12Ter (NM_001382742.1); short protein forms W111*, W12*.
Identifiers: ClinVar variation 4293892 (VCV004293892.1).
Genomic context (GRCh38, chr12:132,508,194, plus strand): 5'-TTTCCCTGTCTCCCTGCAGAAGGATATGGCCCTGAAGCCACATGAGCGGAAGGAGAAGTG[G>A]GAGCGTCGTCTCATCAAGAAGCCCCGGGAGTCGGAAACCTGCCCCCCTGCGGAGCCCAGT-3'

ClinVar aggregate classification (germline): Uncertain significance (1 of 4 stars; one submission).

Conditions:
FBRSL1-related disorder. Also called: FBRSL1-related condition.

Submission:

3billion
Classification: Uncertain significance for FBRSL1-related disorder. Last evaluated: 2025-02-03. Review status: criteria provided, single submitter. Criteria: ACMG Guidelines, 2015. Collection method: clinical testing. Allele origin: germline. Affected: yes.
Comment: The variant is not observed in the gnomAD v4.1.0 dataset. Predicted Consequence/Location: Stop-gained (nonsense): predicted to result in a loss or disruption of normal protein function through nonsense-mediated decay (NMD) or protein truncation. Therefore, this variant is classified as VUS according to the recommendation of ACMG/AMP guideline.